The following is an entry in ClinVar:

NM_017739.4(POMGNT1):c.6C>G (p.Asp2Glu)

Gene: POMGNT1 (protein O-linked mannose N-acetylglucosaminyltransferase 1 (beta 1,2-); minus strand). Cytogenetic location: 1p34.1.
Variant type: single nucleotide variant.
Coding change: c.6C>G on transcript NM_017739.4 (MANE Select); coding-DNA position 6, C replaced by G.
Protein change: p.Asp2Glu; replaces aspartic acid 2 with glutamic acid.
Molecular consequence: missense variant.
Genome position (GRCh38, 1-based): chr1:46,197,816, G>C on the plus strand (C>G on the coding strand, the complement: POMGNT1 is on the minus strand). VCF-style: chr1-46197816-G-C. GRCh37 (hg19) VCF-style: chr1-46663488-G-C.
Other names: c.6C>G (NM_017739.3); c.6C>G, p.Asp2Glu (NM_001243766.2, NM_001410783.1); short protein forms D2E.
Identifiers: ClinVar variation 2141425 (VCV002141425.2), dbSNP rs375238770, ClinGen allele CA833899.
Genomic context (GRCh38, chr1:46,197,816, plus strand): 5'-GTACCAGCTCCGCTTCTTCCGAGCCCCAAAGGGCTTGATGAGGGGGCTGGGCTTCCAGTC[G>C]TCCATACCGGATTGGCGGGTCACCAATGTCCTGGCCAGCCCATGACTTCAGGAATCTGAA-3'
Protein context (NP_060209.4, residues 1-12): M[Asp2Glu]DWKPSPLIKP

ClinVar aggregate classification (germline): Uncertain significance. Review status: criteria provided, multiple submitters, no conflicts (2 of 4 stars). 2 submissions from 2 submitters: Uncertain significance (2). Last evaluated 2025-02-12.

Conditions:
Autosomal recessive limb-girdle muscular dystrophy type 2O. Also called: Limb-Girdle Muscular Dystrophy Type 3C; MUSCULAR DYSTROPHY-DYSTROGLYCANOPATHY (LIMB-GIRDLE), TYPE C, 3; MUSCULAR DYSTROPHY-DYSTROGLYCANOPATHY, LIMB-GIRDLE, POMGNT1-RELATED. Identifiers: Orphanet 206564, MedGen C3150417, MONDO:0013161, OMIM 613157.
Muscular dystrophy-dystroglycanopathy (congenital with impaired intellectual development), type B, 3. Also called: Muscular dystrophy-dystroglycanopathy (congenital with intellectual disability), type B3; MUSCULAR DYSTROPHY, CONGENITAL, POMGNT1-RELATED. Identifiers: MedGen C3150412, MONDO:0013155, OMIM 613151.

Allele frequency attached by ClinVar (database versions not stated): ExAC 0.00002; ESP Exome Variant Server 0.00008.
gnomAD v4.1: 12 of 1,613,960 alleles (0.00074%); highest among the groups gnomAD compares: African/African-American, 0.015%; no homozygotes.

Submissions (2):

GeneDx
Classification: Uncertain significance. Last evaluated: 2025-02-12. Review status: criteria provided, single submitter. Criteria: GeneDx Variant Classification Process June 2021. Collection method: clinical testing. Allele origin: germline. Affected: yes.
Comment: In silico analysis indicates that this missense variant does not alter protein structure/function; Has not been previously published as pathogenic or benign to our knowledge

Labcorp Genetics (formerly Invitae), Labcorp
Classification: Uncertain significance for Autosomal recessive limb-girdle muscular dystrophy type 2O; Muscular dystrophy-dystroglycanopathy (congenital with impaired intellectual development), type B, 3. Last evaluated: 2022-04-08. Review status: criteria provided, single submitter. Criteria: Invitae Variant Classification Sherloc (09022015). Collection method: clinical testing. Allele origin: germline.
Comment: This sequence change replaces aspartic acid, which is acidic and polar, with glutamic acid, which is acidic and polar, at codon 2 of the POMGNT1 protein (p.Asp2Glu). This variant is present in population databases (rs375238770, gnomAD 0.02%). This variant has not been reported in the literature in individuals affected with POMGNT1-related conditions. Advanced modeling of protein sequence and biophysical properties (such as structural, functional, and spatial information, amino acid conservation, physicochemical variation, residue mobility, and thermodynamic stability) performed at Invitae indicates that this missense variant is not expected to disrupt POMGNT1 protein function. In summary, the available evidence is currently insufficient to determine the role of this variant in disease. Therefore, it has been classified as a Variant of Uncertain Significance.